The following is an entry in ClinVar:

ClinVar aggregate classification (germline): Likely benign (1 of 4 stars; one submission).

Allele frequency attached by ClinVar (database versions not stated): 1000 Genomes Project 30x 0.00375; 1000 Genomes Project 0.00379; ESP Exome Variant Server 0.00427; gnomAD 0.00467; TOPMed 0.00480.

Submission:

CeGaT Center for Human Genetics Tuebingen
Classification: Likely benign. Last evaluated: 2026-07-01. Review status: criteria provided, single submitter. Criteria: CeGaT Center For Human Genetics Tuebingen Variant Classification Criteria Version 2. Collection method: clinical testing. Allele origin: germline. Affected: yes. Observed: 4 variant alleles.
Comment: AHNAK2: BP4, BS2

NM_138420.4(AHNAK2):c.3407C>T (p.Pro1136Leu)

Gene: AHNAK2 (AHNAK nucleoprotein 2; minus strand). Cytogenetic location: 14q32.33.
Variant type: single nucleotide variant.
Coding change: c.3407C>T on transcript NM_138420.4 (MANE Select); coding-DNA position 3407, C replaced by T.
Protein change: p.Pro1136Leu; replaces proline 1136 with leucine.
Molecular consequence: missense variant.
Genome position (GRCh38, 1-based): chr14:104,952,044, G>A on the plus strand (C>T on the coding strand, the complement: AHNAK2 is on the minus strand). VCF-style: chr14-104952044-G-A. GRCh37 (hg19) VCF-style: chr14-105418381-G-A.
Other names: c.3107C>T, p.Pro1036Leu (NM_001350929.2); short protein forms P1036L, P1136L.
Identifiers: ClinVar variation 2644853 (VCV002644853.24), dbSNP rs201832586, ClinGen allele CA7383056.